The following is an entry in ClinVar:

NM_002474.3(MYH11):c.3859-648C>T

Genes: NDE1 (nudE neurodevelopment protein 1; plus strand), MYH11 (myosin heavy chain 11; minus strand). Cytogenetic location: 16p13.11.
Variant type: single nucleotide variant.
Coding change: c.3859-648C>T on transcript NM_002474.3 (MANE Select); 648 bases into the intron before coding-DNA position 3859, C replaced by T.
Molecular consequence: intron variant. On other transcripts: 3 prime UTR variant (2).
Genome position (GRCh38, 1-based): chr16:15,725,640, G>A on the plus strand (C>T on the coding strand, the complement: MYH11 is on the minus strand). VCF-style: chr16-15725640-G-A. GRCh37 (hg19) VCF-style: chr16-15819497-G-A.
Other names: c.*1389G>A (NM_001143979.2, NM_017668.3); c.3859-648C>T (NM_022844.3); c.3880-648C>T (NM_001040114.2, NM_001040113.2).
Identifiers: ClinVar variation 318145 (VCV000318145.7), dbSNP rs11557090, ClinGen allele CA10643077.

ClinVar aggregate classification (germline): Benign. Review status: criteria provided, multiple submitters, no conflicts (2 of 4 stars). 3 submissions from 2 submitters: Benign (3). Last evaluated 2018-01-13.

Conditions:
Aortic aneurysm, familial thoracic 4 (AAT4). Also called: AORTIC ANEURYSM/AORTIC DISSECTION AND PATENT DUCTUS ARTERIOSUS. Identifiers: MedGen C1851504, MONDO:0007568, OMIM 132900.
Lissencephaly 4 (LIS4). Also called: Lissencephaly 4 (with microcephaly). Identifiers: Orphanet 1083, MedGen C3151461, MONDO:0013527, OMIM 614019.

Allele frequency attached by ClinVar (database versions not stated): gnomAD exomes 0.02601; gnomAD 0.07622 and 0.07983; TOPMed 0.08156; 1000 Genomes Project 0.09026; 1000 Genomes Project 30x 0.09588.
gnomAD v4.1: 18,130 of 400,094 alleles (4.5%); highest among the groups gnomAD compares: African/African-American, 22%; 1,300 homozygotes.

Submissions (3):

Illumina Laboratory Services, Illumina
Classification: Benign for Aortic aneurysm, familial thoracic 4. Last evaluated: 2018-01-13. Review status: criteria provided, single submitter. Criteria: ICSL Variant Classification Criteria 13 December 2019. Collection method: clinical testing. Allele origin: germline.
Comment: This variant was observed in the ICSL laboratory as part of a predisposition screen in an ostensibly healthy population. It had not been previously curated by ICSL or reported in the Human Gene Mutation Database (HGMD: prior to June 1st, 2018), and was therefore a candidate for classification through an automated scoring system. Utilizing variant allele frequency, disease prevalence and penetrance estimates, and inheritance mode, an automated score was calculated to assess if this variant is too frequent to cause the disease. Based on the score and internal cut-off values, a variant classified as benign is not then subjected to further curation. The score for this variant resulted in a classification of benign for this disease.

Illumina Laboratory Services, Illumina
Classification: Benign for Lissencephaly 4. Last evaluated: 2018-01-13. Review status: criteria provided, single submitter. Criteria: ICSL Variant Classification Criteria 13 December 2019. Collection method: clinical testing. Allele origin: germline.
Comment: the same text as in the submission from Illumina Laboratory Services, Illumina above.

Breakthrough Genomics
Classification: Benign. Review status: criteria provided, single submitter. Criteria: ACMG Guidelines, 2015. Collection method: not provided. Allele origin: germline. Inheritance: Autosomal recessive inheritance. Affected: yes.